The following is an entry in ClinVar:

ClinVar aggregate classification (germline): Uncertain significance (1 of 4 stars; one submission).

Conditions:
Congenital myotonia, autosomal dominant form (THD). Also called: THOMSEN DISEASE; Myotonia congenita autosomal dominant. Identifiers: Orphanet 614, MedGen C2936781, MONDO:0008055, OMIM 160800.
Congenital myotonia, autosomal recessive form. Also called: BECKER DISEASE; myotonia congenita, autosomal recessive; Becker Generalized Myotonia. Identifiers: Orphanet 614, MedGen C0751360, MONDO:0009715, OMIM 255700.

Allele frequency attached by ClinVar (database versions not stated): gnomAD exomes below 0.00001; ExAC 0.00002; TOPMed 0.00003; gnomAD 0.00004.

Submission:

Labcorp Genetics (formerly Invitae), Labcorp
Classification: Uncertain significance for Congenital myotonia, autosomal recessive form; Congenital myotonia, autosomal dominant form. Last evaluated: 2025-04-23. Review status: criteria provided, single submitter. Criteria: Invitae Variant Classification Sherloc (09022015). Collection method: clinical testing. Allele origin: germline.
Comment: This sequence change replaces glycine, which is neutral and non-polar, with serine, which is neutral and polar, at codon 509 of the CLCN1 protein (p.Gly509Ser). This variant is present in population databases (rs762293954, gnomAD 0.01%). This variant has not been reported in the literature in individuals affected with CLCN1-related conditions. ClinVar contains an entry for this variant (Variation ID: 2201357). Invitae Evidence Modeling of protein sequence and biophysical properties (such as structural, functional, and spatial information, amino acid conservation, physicochemical variation, residue mobility, and thermodynamic stability) indicates that this missense variant is expected to disrupt CLCN1 protein function with a positive predictive value of 95%. In summary, the available evidence is currently insufficient to determine the role of this variant in disease. Therefore, it has been classified as a Variant of Uncertain Significance.

NM_000083.3(CLCN1):c.1525G>A (p.Gly509Ser)

Gene: CLCN1 (chloride voltage-gated channel 1; plus strand). Cytogenetic location: 7q34.
Variant type: single nucleotide variant.
Coding change: c.1525G>A on transcript NM_000083.3 (MANE Select); coding-DNA position 1525, G replaced by A.
Protein change: p.Gly509Ser; replaces glycine 509 with serine.
Molecular consequence: missense variant. On other transcripts: non-coding transcript variant (1).
Genome position (GRCh38, 1-based): chr7:143,339,564, G>A. VCF-style: chr7-143339564-G-A. GRCh37 (hg19) VCF-style: chr7-143036657-G-A.
Other names: short protein forms G509S.
Identifiers: ClinVar variation 2201357 (VCV002201357.2), dbSNP rs762293954, ClinGen allele CA4537410.